The following is an entry in ClinVar:

ClinVar aggregate classification (germline): Pathogenic (3 of 4 stars; one submission).

Conditions:
Breast-ovarian cancer, familial, susceptibility to, 1 (BROVCA1). Also called: BRCA1 Hereditary Breast and Ovarian Cancer; OVARIAN CANCER, SUSCEPTIBILITY TO. Identifiers: Orphanet 145, MedGen C2676676, MONDO:0011450, OMIM 604370. Disease mechanism: loss of function.

Submission:

Evidence-based Network for the Interpretation of Germline Mutant Alleles (ENIGMA)
Classification: Pathogenic for Breast-ovarian cancer, familial, susceptibility to, 1. Last evaluated: 2016-10-18. Review status: reviewed by expert panel. Criteria: ENIGMA BRCA1/2 Classification Criteria (2015). Collection method: curation. Allele origin: germline.
Comment: Variant allele predicted to encode a truncated non-functional protein.

NM_007294.4(BRCA1):c.1847del (p.Ser616fs)

Gene: BRCA1 (BRCA1 DNA repair associated; minus strand). Cytogenetic location: 17q21.31.
Variant type: Deletion.
Coding change: c.1847del on transcript NM_007294.4 (MANE Select); coding-DNA position 1847, one base deleted (C; older notation c.1847delC).
Protein change: p.Ser616fs; shifts the reading frame from serine 616.
Molecular consequence: frameshift variant. On other transcripts: intron variant (137).
Genome position (GRCh38, 1-based): chr17:43,093,684, G deleted on the plus strand (C on the coding strand, the reverse complement: BRCA1 is on the minus strand). VCF-style (leftmost placement, unchanged base first): chr17-43093683-AG-A. GRCh37 (hg19) VCF-style: chr17-41245700-AG-A.
Other names: 1966delC; c.1847del, p.Ser616fs (NM_001407684.1, NM_001407854.1, NM_001407858.1 and 30 more transcripts); c.1721del, p.Ser574fs (NM_001407685.1, NM_001407686.1, NM_001407687.1 and 11 more transcripts); c.1706del, p.Ser569fs (NM_001407692.1, NM_001407694.1, NM_001407695.1 and 29 more transcripts); c.1703del, p.Ser568fs (NM_001407740.1, NM_001407741.1, NM_001407742.1 and 20 more transcripts); c.1634del, p.Ser545fs (NM_001407853.1, NM_001407894.1, NM_001407895.1 and 9 more transcripts); c.1844del, p.Ser615fs (NM_001407860.1, NM_001407861.1, NM_001407587.1 and 22 more transcripts); c.1646del, p.Ser549fs (NM_001407862.1); and 42 more; short protein forms S569fs, S616fs, S489fs, S545fs, S548fs, S589fs, S590fs, S613fs.
Identifiers: ClinVar variation 266194 (VCV000266194.5), dbSNP rs886039974, ClinGen allele CA10589915.